The following is an entry in ClinVar:

NM_016169.4(SUFU):c.437G>A (p.Arg146Gln)

Gene: SUFU (SUFU negative regulator of hedgehog signaling; plus strand). Cytogenetic location: 10q24.32.
Variant type: single nucleotide variant.
Coding change: c.437G>A on transcript NM_016169.4 (MANE Select); coding-DNA position 437, G replaced by A.
Protein change: p.Arg146Gln; replaces arginine 146 with glutamine.
Molecular consequence: missense variant.
Genome position (GRCh38, 1-based): chr10:102,550,089, G>A. VCF-style: chr10-102550089-G-A. GRCh37 (hg19) VCF-style: chr10-104309846-G-A.
Other names: c.437G>A, p.Arg146Gln (NM_001178133.2); short protein forms R146Q.
Identifiers: ClinVar variation 650246 (VCV000650246.8), dbSNP rs764847917, ClinGen allele CA5667671.
Genomic context (GRCh38, chr10:102,550,089, plus strand): 5'-GAGAAACTGGGGAGTCTGCCCCACCAACATGGCCCGCAGAGTTAATGCAGGGCTTGGCAC[G>A]ATACGTGTTCCAGTCAGGTAGGAGGCCAGGGCTGGCTGCTGTGCTGGTCCTTTTGCCATG-3'
Protein context (NP_057253.2, residues 136-156): WPAELMQGLA[Arg146Gln]YVFQSENTFC

ClinVar aggregate classification (germline): Uncertain significance. Review status: criteria provided, multiple submitters, no conflicts (2 of 4 stars). 2 submissions from 2 submitters: Uncertain significance (2). Last evaluated 2026-08-11.

Conditions:
Hereditary cancer-predisposing syndrome. Also called: Neoplastic Syndromes, Hereditary; Hereditary Cancer Syndrome; Hereditary neoplastic syndrome; Tumor predisposition. Identifiers: Orphanet 140162, MedGen C0027672, MeSH D009386, MONDO:0015356.
Gorlin syndrome. Also called: Nevoid Basal Cell Carcinoma Syndrome; Basal cell nevus syndrome. Identifiers: Orphanet 377, MedGen C0004779, MONDO:0007187.
Medulloblastoma (MDB). Also called: MEDULLOBLASTOMA PREDISPOSITION SYNDROME; Medulloblastoma, somatic. Identifiers: Orphanet 616, MedGen C0025149, MeSH D008527, MONDO:0007959, OMIM 155255, HP:0002885.

Allele frequency attached by ClinVar (database versions not stated): gnomAD exomes below 0.00001 and 0.00001; gnomAD 0.00001; ExAC 0.00002.
gnomAD v4.1: 4 of 1,614,078 alleles (0.00025%); highest among the groups gnomAD compares: Admixed American, 0.0017%; no homozygotes.

Submissions (2):

Ambry Genetics
Classification: Uncertain significance for Hereditary cancer-predisposing syndrome. Last evaluated: 2026-08-11. Review status: criteria provided, single submitter. Criteria: Ambry Variant Classification Scheme 2023. Collection method: clinical testing. Allele origin: germline.
Comment: The p.R146Q variant (also known as c.437G>A), located in coding exon 3 of the SUFU gene, results from a G to A substitution at nucleotide position 437. The arginine at codon 146 is replaced by glutamine, an amino acid with highly similar properties. This amino acid position is highly conserved in available vertebrate species. In addition, this alteration is predicted to be deleterious by in silico analysis. Based on the available evidence, the clinical significance of this variant remains unclear.

Labcorp Genetics (formerly Invitae), Labcorp
Classification: Uncertain significance for Gorlin syndrome; Medulloblastoma. Last evaluated: 2025-09-20. Review status: criteria provided, single submitter. Criteria: Invitae Variant Classification Sherloc (09022015). Collection method: clinical testing. Allele origin: germline.
Comment: This sequence change replaces arginine, which is basic and polar, with glutamine, which is neutral and polar, at codon 146 of the SUFU protein (p.Arg146Gln). This variant is present in population databases (rs764847917, gnomAD 0.003%). This variant has not been reported in the literature in individuals affected with SUFU-related conditions. ClinVar contains an entry for this variant (Variation ID: 650246). Invitae Evidence Modeling of protein sequence and biophysical properties (such as structural, functional, and spatial information, amino acid conservation, physicochemical variation, residue mobility, and thermodynamic stability) indicates that this missense variant is not expected to disrupt SUFU protein function with a negative predictive value of 80%. In summary, the available evidence is currently insufficient to determine the role of this variant in disease. Therefore, it has been classified as a Variant of Uncertain Significance.